The following is an entry in ClinVar:

NM_000465.4(BARD1):c.2092G>A (p.Gly698Ser)

Gene: BARD1 (BRCA1 associated RING domain 1; minus strand). Cytogenetic location: 2q35.
Variant type: single nucleotide variant.
Coding change: c.2092G>A on transcript NM_000465.4 (MANE Select); coding-DNA position 2092, G replaced by A.
Protein change: p.Gly698Ser; replaces glycine 698 with serine.
Molecular consequence: missense variant. On other transcripts: non-coding transcript variant (3).
Genome position (GRCh38, 1-based): chr2:214,728,918, C>T on the plus strand (G>A on the coding strand, the complement: BARD1 is on the minus strand). VCF-style: chr2-214728918-C-T. GRCh37 (hg19) VCF-style: chr2-215593642-C-T.
Other names: c.2035G>A, p.Gly679Ser (NM_001282543.2); c.739G>A, p.Gly247Ser (NM_001282545.2); c.682G>A, p.Gly228Ser (NM_001282548.2); c.553G>A, p.Gly185Ser (NM_001282549.2); c.2092G>A (NM_000465.2); short protein forms G698S, G247S, G185S, G679S, G228S.
Identifiers: ClinVar variation 628560 (VCV000628560.15), dbSNP rs1559372428, ClinGen allele CA350450637.

ClinVar aggregate classification (germline): Uncertain significance. Review status: criteria provided, multiple submitters, no conflicts (2 of 4 stars). 3 submissions from 3 submitters: Uncertain significance (3). Last evaluated 2026-05-14.

Conditions:
Familial cancer of breast. Also called: hereditary breast carcinoma; Hereditary breast cancer; BREAST CANCER, FAMILIAL. Identifiers: Orphanet 227535, MedGen C0346153, MONDO:0016419, OMIM 114480. Disease mechanism: loss of function.
Hereditary cancer-predisposing syndrome. Also called: Tumor predisposition; Hereditary Cancer Syndrome; Neoplastic Syndromes, Hereditary; Hereditary neoplastic syndrome. Identifiers: Orphanet 140162, MedGen C0027672, MeSH D009386, MONDO:0015356.

Submissions (3):

Ambry Genetics
Classification: Uncertain significance for Hereditary cancer-predisposing syndrome. Last evaluated: 2026-05-14. Review status: criteria provided, single submitter. Criteria: Ambry Variant Classification Scheme 2023. Collection method: clinical testing. Allele origin: germline.
Comment: The p.G698S variant (also known as c.2092G>A), located in coding exon 11 of the BARD1 gene, results from a G to A substitution at nucleotide position 2092. The glycine at codon 698 is replaced by serine, an amino acid with similar properties. This amino acid position is conserved. In addition, this alteration is predicted to be tolerated by in silico analysis. Based on the available evidence, the clinical significance of this variant remains unclear.

Color Diagnostics, LLC DBA Color Health
Classification: Uncertain significance for Hereditary cancer-predisposing syndrome. Last evaluated: 2023-12-05. Review status: criteria provided, single submitter. Criteria: ACMG Guidelines, 2015. Collection method: clinical testing. Allele origin: germline.
Comment: This missense variant replaces glycine with serine at codon 698 of the BARD1 protein. Computational prediction suggests that this variant may not impact protein structure and function (internally defined REVEL score threshold <= 0.5, PMID: 27666373). To our knowledge, functional studies have not been reported for this variant. This variant has not been reported in individuals affected with BARD1-related disorders in the literature. This variant has not been identified in the general population by the Genome Aggregation Database (gnomAD). The available evidence is insufficient to determine the role of this variant in disease conclusively. Therefore, this variant is classified as a Variant of Uncertain Significance.

Labcorp Genetics (formerly Invitae), Labcorp
Classification: Uncertain significance for Familial cancer of breast. Last evaluated: 2021-12-25. Review status: criteria provided, single submitter. Criteria: Invitae Variant Classification Sherloc (09022015). Collection method: clinical testing. Allele origin: germline.
Comment: In summary, the available evidence is currently insufficient to determine the role of this variant in disease. Therefore, it has been classified as a Variant of Uncertain Significance. Algorithms developed to predict the effect of missense changes on protein structure and function output the following: SIFT: "Tolerated"; PolyPhen-2: "Benign"; Align-GVGD: "Class C0". The serine amino acid residue is found in multiple mammalian species, which suggests that this missense change does not adversely affect protein function. ClinVar contains an entry for this variant (Variation ID: 628560). This variant has not been reported in the literature in individuals affected with BARD1-related conditions. This variant is not present in population databases (gnomAD no frequency). This sequence change replaces glycine, which is neutral and non-polar, with serine, which is neutral and polar, at codon 698 of the BARD1 protein (p.Gly698Ser).